The following is an entry in ClinVar:

NM_198904.4(GABRG2):c.1207_1214del (p.Thr403fs)

Gene: GABRG2 (gamma-aminobutyric acid type A receptor subunit gamma2; plus strand). Cytogenetic location: 5q34.
Variant type: Deletion.
Coding change: c.1207_1214del on transcript NM_198904.4 (MANE Select); coding-DNA positions 1207 to 1214, 8 bases deleted (ACACACCT; older notation c.1207_1214delACACACCT).
Protein change: p.Thr403fs; shifts the reading frame from threonine 403.
Molecular consequence: frameshift variant. On other transcripts: 3 prime UTR variant (1).
Genome position (GRCh38, 1-based): chr5:162,153,147-162,153,154, ACACACCT deleted; deleting any 8 consecutive bases within chr5:162,153,145-162,153,154 gives the same sequence; the c. name uses the placement nearest the transcript's 3' end. VCF-style (leftmost placement, unchanged base first): chr5-162153144-GCTACACAC-G. GRCh37 (hg19) VCF-style: chr5-161580150-GCTACACAC-G.
Other names: c.1183_1190del, p.Thr395fs (NM_000816.3); c.1198_1205del, p.Thr400fs (NM_001375339.1); c.*41_*48del (NM_001375340.1); c.1204_1211del, p.Thr402fs (NM_001375341.1); c.1180_1187del, p.Thr394fs (NM_001375342.1); c.1303_1310del, p.Thr435fs (NM_001375343.1); c.1246_1253del, p.Thr416fs (NM_001375344.1); c.1117_1124del, p.Thr373fs (NM_001375345.1); and 6 more; short protein forms T255fs, T263fs, T300fs, T373fs, T374fs, T381fs, T394fs, T395fs.
Identifiers: ClinVar variation 3756656 (VCV003756656.2).

ClinVar aggregate classification (germline): Pathogenic (1 of 4 stars; one submission).

Conditions:
Febrile seizures, familial, 8 (FEB8). Also called: CONVULSIONS, FAMILIAL FEBRILE, 8. Identifiers: Orphanet 36387, MedGen C1969810, MONDO:0011891, OMIM 607681.
EPILEPSY, CHILDHOOD ABSENCE, SUSCEPTIBILITY TO, 2 (ECA2). Identifiers: Orphanet 64280, MedGen C1843244, OMIM 607681.

Submission:

Labcorp Genetics (formerly Invitae), Labcorp
Classification: Pathogenic for Febrile seizures, familial, 8; EPILEPSY, CHILDHOOD ABSENCE, SUSCEPTIBILITY TO, 2. Last evaluated: 2024-06-15. Review status: criteria provided, single submitter. Criteria: Invitae Variant Classification Sherloc (09022015). Collection method: clinical testing. Allele origin: germline.
Comment: This sequence change creates a premature translational stop signal (p.Thr395Serfs*5) in the GABRG2 gene. While this is not anticipated to result in nonsense mediated decay, it is expected to disrupt the last 73 amino acid(s) of the GABRG2 protein. This variant is not present in population databases (gnomAD no frequency). This variant has not been reported in the literature in individuals affected with GABRG2-related conditions. This variant disrupts a region of the GABRG2 protein in which other variant(s) (p.Trp429*) have been determined to be pathogenic (PMID: 18566737). This suggests that this is a clinically significant region of the protein, and that variants that disrupt it are likely to be disease-causing. For these reasons, this variant has been classified as Pathogenic.

Literature cited by the submitters: PubMed 18566737.